The following is an entry in ClinVar:

NM_000395.3(CSF2RB):c.1544G>A (p.Gly515Asp)

Gene: CSF2RB (colony stimulating factor 2 receptor subunit beta; plus strand). Cytogenetic location: 22q12.3.
Variant type: single nucleotide variant.
Coding change: c.1544G>A on transcript NM_000395.3 (MANE Select); coding-DNA position 1544, G replaced by A.
Protein change: p.Gly515Asp; replaces glycine 515 with aspartic acid.
Molecular consequence: missense variant.
Genome position (GRCh38, 1-based): chr22:36,936,628, G>A. VCF-style: chr22-36936628-G-A. GRCh37 (hg19) VCF-style: chr22-37332670-G-A.
Other names: c.1562G>A, p.Gly521Asp (NM_001410827.1); short protein forms G515D, G521D.
Identifiers: ClinVar variation 4538975 (VCV004538975.1).

ClinVar aggregate classification (germline): Uncertain significance (1 of 4 stars; one submission).

gnomAD v4.1: 1 of 1,613,446 alleles (0.000062%); highest among the groups gnomAD compares: Non-Finnish European, 0.000085%; no homozygotes.

Submission:

GeneDx
Classification: Uncertain significance. Last evaluated: 2025-06-20. Review status: criteria provided, single submitter. Criteria: GeneDx Variant Classification Process June 2021. Collection method: clinical testing. Allele origin: germline. Affected: yes.
Comment: Not observed at significant frequency in large population cohorts (gnomAD); In silico analysis suggests that this missense variant does not alter protein structure/function; Has not been previously published as pathogenic or benign to our knowledge